The following is an entry in ClinVar:

ClinVar aggregate classification (germline): Uncertain significance. Review status: criteria provided, multiple submitters, no conflicts (2 of 4 stars). 5 submissions from 5 submitters: Uncertain significance (5). Last evaluated 2025-04-12.

Conditions:
Congenital muscular dystrophy due to integrin alpha-7 deficiency. Also called: MYOPATHY, CONGENITAL, DUE TO INTEGRIN ALPHA-7 DEFICIENCY; Congenital muscular dystrophy with integrin alpha-7 deficiency; Muscular dystrophy, congenital, due to ITGA7 deficiency. Identifiers: Orphanet 34520, MedGen C2750786, MONDO:0013177, OMIM 613204.

Allele frequency attached by ClinVar (database versions not stated): gnomAD exomes 0.00006 and 0.00010; ExAC 0.00011; gnomAD 0.00019; 1000 Genomes Project 0.00020; TOPMed 0.00025; 1000 Genomes Project 30x 0.00031; ESP Exome Variant Server 0.00008.
gnomAD v4.1: 127 of 1,614,020 alleles (0.0079%); highest among the groups gnomAD compares: African/African-American, 0.095%; no homozygotes.

Submissions (5):

Ambry Genetics
Classification: Uncertain significance. Last evaluated: 2025-04-12. Review status: criteria provided, single submitter. Criteria: Ambry Variant Classification Scheme 2023. Collection method: clinical testing. Allele origin: germline.

Revvity Omics, Revvity
Classification: Uncertain significance for Congenital muscular dystrophy due to integrin alpha-7 deficiency. Last evaluated: 2024-09-08. Review status: criteria provided, single submitter. Criteria: ACMG Guidelines, 2015. Collection method: clinical testing. Allele origin: germline.

Labcorp Genetics (formerly Invitae), Labcorp
Classification: Uncertain significance for Congenital muscular dystrophy due to integrin alpha-7 deficiency. Last evaluated: 2022-10-13. Review status: criteria provided, single submitter. Criteria: Invitae Variant Classification Sherloc (09022015). Collection method: clinical testing. Allele origin: germline.
Comment: This sequence change replaces arginine, which is basic and polar, with cysteine, which is neutral and slightly polar, at codon 298 of the ITGA7 protein (p.Arg298Cys). This variant is present in population databases (rs201594532, gnomAD 0.05%). This variant has not been reported in the literature in individuals affected with ITGA7-related conditions. ClinVar contains an entry for this variant (Variation ID: 198147). Advanced modeling of protein sequence and biophysical properties (such as structural, functional, and spatial information, amino acid conservation, physicochemical variation, residue mobility, and thermodynamic stability) performed at Invitae indicates that this missense variant is not expected to disrupt ITGA7 protein function. In summary, the available evidence is currently insufficient to determine the role of this variant in disease. Therefore, it has been classified as a Variant of Uncertain Significance.

GeneDx
Classification: Uncertain significance. Last evaluated: 2019-09-12. Review status: criteria provided, single submitter. Criteria: GeneDx Variant Classification Process June 2021. Collection method: clinical testing. Allele origin: germline. Affected: yes.
Comment: In silico analysis, which includes protein predictors and evolutionary conservation, supports a deleterious effect; Has not been previously published as pathogenic or benign to our knowledge

Eurofins Ntd Llc (ga)
Classification: Uncertain significance. Last evaluated: 2014-09-22. Review status: criteria provided, single submitter. Criteria: EGL Classification Definitions 2015. Collection method: clinical testing. Allele origin: germline. Observed: 1 variant allele, 1 heterozygote.

NM_002206.3(ITGA7):c.892C>T (p.Arg298Cys)

Gene: ITGA7 (integrin subunit alpha 7; minus strand). Cytogenetic location: 12q13.2.
Variant type: single nucleotide variant.
Coding change: c.892C>T on transcript NM_002206.3 (MANE Select); coding-DNA position 892, C replaced by T.
Protein change: p.Arg298Cys; replaces arginine 298 with cysteine.
Molecular consequence: missense variant. On other transcripts: 5 prime UTR variant (1).
Genome position (GRCh38, 1-based): chr12:55,698,816, G>A on the plus strand (C>T on the coding strand, the complement: ITGA7 is on the minus strand). VCF-style: chr12-55698816-G-A. GRCh37 (hg19) VCF-style: chr12-56092600-G-A.
Other names: c.904C>T, p.Arg302Cys (NM_001144996.2, NM_001414029.1, NM_001414030.1); c.613C>T, p.Arg205Cys (NM_001144997.2); c.565C>T, p.Arg189Cys (NM_001367993.1); c.-401C>T (NM_001367994.1); c.892C>T, p.Arg298Cys (NM_001374465.1, NM_001414031.1, NM_001414034.1); c.1024C>T, p.Arg342Cys (NM_001410977.1); c.772C>T, p.Arg258Cys (NM_001414032.1); c.709C>T, p.Arg237Cys (NM_001414033.1); and 1 more; short protein forms R298C, R205C, R189C, R302C, R342C, R237C, R258C, R185C.
Identifiers: ClinVar variation 198147 (VCV000198147.14), dbSNP rs201594532, ClinGen allele CA246653.
Genomic context (GRCh38, chr12:55,698,816, plus strand): 5'-AGGTCAGGCGCTCCCCAGACAGCATAACCTCGGGCACCAGGCGACTGGCGCTGTCCTTGC[G>A]CAGGATGACCACAGCACCCTTGTGGTTGGCGCGGGGGGCTCCAGCCACAAAGCTCAGCTC-3'
Protein context (NP_002197.2, residues 288-308): ANHKGAVVIL[Arg298Cys]KDSASRLVPE